The following is an entry in ClinVar:

ClinVar aggregate classification (germline): Uncertain significance (1 of 4 stars; one submission).

Submission:

Labcorp Genetics (formerly Invitae), Labcorp
Classification: Uncertain significance. Last evaluated: 2025-07-04. Review status: criteria provided, single submitter. Criteria: Invitae Variant Classification Sherloc (09022015). Collection method: clinical testing. Allele origin: germline.
Comment: This sequence change replaces proline, which is neutral and non-polar, with serine, which is neutral and polar, at codon 2320 of the NSD1 protein (p.Pro2320Ser). This variant is not present in population databases (gnomAD no frequency). This variant has not been reported in the literature in individuals affected with NSD1-related conditions. Invitae Evidence Modeling of protein sequence and biophysical properties (such as structural, functional, and spatial information, amino acid conservation, physicochemical variation, residue mobility, and thermodynamic stability) indicates that this missense variant is not expected to disrupt NSD1 protein function with a negative predictive value of 95%. In summary, the available evidence is currently insufficient to determine the role of this variant in disease. Therefore, it has been classified as a Variant of Uncertain Significance.

NM_022455.5(NSD1):c.6958C>T (p.Pro2320Ser)

Gene: NSD1 (nuclear receptor binding SET domain protein 1; plus strand). Cytogenetic location: 5q35.3.
Variant type: single nucleotide variant.
Coding change: c.6958C>T on transcript NM_022455.5 (MANE Select); coding-DNA position 6958, C replaced by T.
Protein change: p.Pro2320Ser; replaces proline 2320 with serine.
Molecular consequence: missense variant.
Genome position (GRCh38, 1-based): chr5:177,294,326, C>T. VCF-style: chr5-177294326-C-T. GRCh37 (hg19) VCF-style: chr5-176721327-C-T.
Other names: c.6085C>T, p.Pro2029Ser (NM_001365684.2, NM_001409308.1, NM_172349.5); c.6958C>T, p.Pro2320Ser (NM_001409301.1, NM_001409302.1, NM_001409303.1); c.6538C>T, p.Pro2180Ser (NM_001409304.1); c.6205C>T, p.Pro2069Ser (NM_001409305.1); c.6196C>T, p.Pro2066Ser (NM_001409306.1, NM_001409307.1); c.5836C>T, p.Pro1946Ser (NM_001409309.1); short protein forms P2066S, P1946S, P2069S, P2320S, P2029S, P2180S.
Identifiers: ClinVar variation 4772447 (VCV004772447.1).
Genomic context (GRCh38, chr5:177,294,326, plus strand): 5'-GCTGGGTCAGGGACCAAATCCCAATCCTTGGTTTCCAGCCAGAGGCCACTGGACAGGCCA[C>T]CAGCAGTGGCAGGACCAAGACCCCAGCTAAGCGACAAACCCTCTCCAGTGACCAGCCCAA-3'
Protein context (NP_071900.2, residues 2310-2330): VSSQRPLDRP[Pro2320Ser]AVAGPRPQLS